The following is an entry in ClinVar:

NM_006929.5(SKIC2):c.404G>A (p.Arg135His)

Gene: SKIC2 (SKI2 subunit of superkiller complex; plus strand). Cytogenetic location: 6p21.33.
Variant type: single nucleotide variant.
Coding change: c.404G>A on transcript NM_006929.5 (MANE Select); coding-DNA position 404, G replaced by A.
Protein change: p.Arg135His; replaces arginine 135 with histidine.
Molecular consequence: missense variant.
Genome position (GRCh38, 1-based): chr6:31,960,481, G>A. VCF-style: chr6-31960481-G-A. GRCh37 (hg19) VCF-style: chr6-31928258-G-A.
Other names: short protein forms R135H.
Identifiers: ClinVar variation 3617756 (VCV003617756.2).

ClinVar aggregate classification (germline): Uncertain significance (1 of 4 stars; one submission).

gnomAD v4.1: 12 of 1,614,118 alleles (0.00074%); highest among the groups gnomAD compares: Non-Finnish European, 0.00076%; no homozygotes.

Submission:

Labcorp Genetics (formerly Invitae), Labcorp
Classification: Uncertain significance. Last evaluated: 2024-02-27. Review status: criteria provided, single submitter. Criteria: Invitae Variant Classification Sherloc (09022015). Collection method: clinical testing. Allele origin: germline.
Comment: This sequence change replaces arginine, which is basic and polar, with histidine, which is basic and polar, at codon 135 of the SKIV2L protein (p.Arg135His). This variant is present in population databases (rs369920218, gnomAD 0.002%). This variant has not been reported in the literature in individuals affected with SKIV2L-related conditions. Algorithms developed to predict the effect of missense changes on protein structure and function output the following: SIFT: "Not Available"; PolyPhen-2: "Benign"; Align-GVGD: "Not Available". The histidine amino acid residue is found in multiple mammalian species, which suggests that this missense change does not adversely affect protein function. In summary, the available evidence is currently insufficient to determine the role of this variant in disease. Therefore, it has been classified as a Variant of Uncertain Significance.